The following is an entry in ClinVar:

ClinVar aggregate classification (germline): Uncertain significance (1 of 4 stars; one submission).

Conditions:
FRAXE. Also called: FRAXE intellectual disability; Intellectual disability, X-linked, FRAXE type; FRAXE Syndrome; Intellectual developmental disorder, X-linked 109; Fragile XE syndrome. Identifiers: Orphanet 100973, MedGen C0751157, MONDO:0010659, OMIM 309548. Disease mechanism: loss of function.

Submission:

Neuberg Centre For Genomic Medicine, NCGM
Classification: Uncertain significance for FRAXE. Last evaluated: 2023-05-20. Review status: criteria provided, single submitter. Criteria: ACMG Guidelines, 2015. Collection method: clinical testing. Allele origin: germline. Inheritance: X-linked dominant inheritance. Affected: yes.
Comment: The observed missense c.2824A>G (p.Asn942Asp) variant in AFF2 gene has not been reported previously as a pathogenic variant nor as a benign variant, to our knowledge. The p.Asn942Asp variant is absent in gnomAD Exomes. This variant has not been submitted to the ClinVar database. Multiple lines of computational evidence (Polyphen - Benign, SIFT - Tolerated and MutationTaster - Polymorphism) predict no damaging effect on protein structure and function for this variant. The reference amino acidof p.Asn942Asp in AFF2 is predicted as conserved by GERP++ and PhyloP across 100 vertebrates. The amino acid Asn at position 942 is changed to a Asp changing protein sequence and it might alter its composition and physico-chemical properties. For these reasons, this variant has been classified as a Variant of Uncertain Significance (VUS).

NM_002025.4(AFF2):c.2824A>G (p.Asn942Asp)

Gene: AFF2 (ALF transcription elongation factor 2; plus strand). Cytogenetic location: Xq28.
Variant type: single nucleotide variant.
Coding change: c.2824A>G on transcript NM_002025.4 (MANE Select); coding-DNA position 2824, A replaced by G.
Protein change: p.Asn942Asp; replaces asparagine 942 with aspartic acid.
Molecular consequence: missense variant.
Genome position (GRCh38, 1-based): chrX:148,962,848, A>G. VCF-style: chrX-148962848-A-G. GRCh37 (hg19) VCF-style: chrX-148044378-A-G.
Other names: c.2725A>G, p.Asn909Asp (NM_001169122.2); c.2794A>G, p.Asn932Asp (NM_001169123.2); c.2719A>G, p.Asn907Asp (NM_001169124.2); c.2707A>G, p.Asn903Asp (NM_001169125.2); c.1747A>G, p.Asn583Asp (NM_001170628.1); short protein forms N583D, N903D, N907D, N909D, N932D, N942D.
Identifiers: ClinVar variation 3367153 (VCV003367153.1).